The following is an entry in ClinVar:

ClinVar aggregate classification (germline): Uncertain significance (1 of 4 stars; one submission).

Submission:

Labcorp Genetics (formerly Invitae), Labcorp
Classification: Uncertain significance. Last evaluated: 2023-01-05. Review status: criteria provided, single submitter. Criteria: Invitae Variant Classification Sherloc (09022015). Collection method: clinical testing. Allele origin: germline.
Comment: In summary, the available evidence is currently insufficient to determine the role of this variant in disease. Therefore, it has been classified as a Variant of Uncertain Significance. Advanced modeling of protein sequence and biophysical properties (such as structural, functional, and spatial information, amino acid conservation, physicochemical variation, residue mobility, and thermodynamic stability) performed at Invitae indicates that this missense variant is expected to disrupt COL11A2 protein function. This variant has not been reported in the literature in individuals affected with COL11A2-related conditions. This variant is not present in population databases (gnomAD no frequency). This sequence change replaces glycine, which is neutral and non-polar, with arginine, which is basic and polar, at codon 961 of the COL11A2 protein (p.Gly961Arg).

NM_080680.3(COL11A2):c.2881G>A (p.Gly961Arg)

Gene: COL11A2 (collagen type XI alpha 2 chain; minus strand). Cytogenetic location: 6p21.32.
Variant type: single nucleotide variant.
Coding change: c.2881G>A on transcript NM_080680.3 (MANE Select); coding-DNA position 2881, G replaced by A.
Protein change: p.Gly961Arg; replaces glycine 961 with arginine.
Molecular consequence: missense variant.
Genome position (GRCh38, 1-based): chr6:33,172,547, C>T on the plus strand (G>A on the coding strand, the complement: COL11A2 is on the minus strand). VCF-style: chr6-33172547-C-T. GRCh37 (hg19) VCF-style: chr6-33140324-C-T.
Other names: c.2701G>A, p.Gly901Arg (NM_001424108.1); c.2035G>A, p.Gly679Arg (NM_001424109.1); c.1855G>A, p.Gly619Arg (NM_001424110.1, NM_001424111.1); c.835G>A, p.Gly279Arg (NM_001424112.1); c.2560G>A, p.Gly854Arg (NM_080679.3); c.2623G>A, p.Gly875Arg (NM_080681.3); short protein forms G854R, G901R, G679R, G279R, G619R, G875R, G961R.
Identifiers: ClinVar variation 2819147 (VCV002819147.3), dbSNP rs1770257026, ClinGen allele CA363637573.